The following is an entry in ClinVar:

NM_015909.4(NBAS):c.4162A>G (p.Ser1388Gly)

Gene: NBAS (NBAS subunit of NRZ tethering complex; minus strand). Cytogenetic location: 2p24.3.
Variant type: single nucleotide variant.
Coding change: c.4162A>G on transcript NM_015909.4 (MANE Select); coding-DNA position 4162, A replaced by G.
Protein change: p.Ser1388Gly; replaces serine 1388 with glycine.
Molecular consequence: missense variant. On other transcripts: non-coding transcript variant (1).
Genome position (GRCh38, 1-based): chr2:15,352,009, T>C on the plus strand (A>G on the coding strand, the complement: NBAS is on the minus strand). VCF-style: chr2-15352009-T-C. GRCh37 (hg19) VCF-style: chr2-15492133-T-C.
Other names: c.4162A>G (NM_015909.2); short protein forms S1388G.
Identifiers: ClinVar variation 1432742 (VCV001432742.6), dbSNP rs1340710596, ClinGen allele CA345887610.

ClinVar aggregate classification (germline): Uncertain significance. Review status: criteria provided, multiple submitters, no conflicts (2 of 4 stars). 2 submissions from 2 submitters: Uncertain significance (2). Last evaluated 2024-12-23.

Conditions:
Inborn genetic diseases. Identifiers: MedGen C0950123, MeSH D030342.

Allele frequency attached by ClinVar (database versions not stated): gnomAD exomes below 0.00001 and 0.00001; TOPMed below 0.00001; gnomAD 0.00001.
gnomAD v4.1: 4 of 1,609,572 alleles (0.00025%); highest among the groups gnomAD compares: Admixed American, 0.0033%; no homozygotes.

Submissions (2):

Ambry Genetics
Classification: Uncertain significance for Inborn genetic diseases. Last evaluated: 2024-12-23. Review status: criteria provided, single submitter. Criteria: Ambry Variant Classification Scheme 2023. Collection method: clinical testing. Allele origin: germline.

Labcorp Genetics (formerly Invitae), Labcorp
Classification: Uncertain significance. Last evaluated: 2022-04-12. Review status: criteria provided, single submitter. Criteria: Invitae Variant Classification Sherloc (09022015). Collection method: clinical testing. Allele origin: germline.
Comment: This sequence change replaces serine, which is neutral and polar, with glycine, which is neutral and non-polar, at codon 1388 of the NBAS protein (p.Ser1388Gly). This variant is present in population databases (no rsID available, gnomAD 0.003%). This variant has not been reported in the literature in individuals affected with NBAS-related conditions. Algorithms developed to predict the effect of missense changes on protein structure and function output the following: SIFT: "Deleterious"; PolyPhen-2: "Benign"; Align-GVGD: "Class C55". The glycine amino acid residue is found in multiple mammalian species, which suggests that this missense change does not adversely affect protein function. In summary, the available evidence is currently insufficient to determine the role of this variant in disease. Therefore, it has been classified as a Variant of Uncertain Significance.